The following is an entry in ClinVar:

NM_014588.6(VSX1):c.479G>A (p.Gly160Asp)

Gene: VSX1 (visual system homeobox 1; minus strand). Cytogenetic location: 20p11.21.
Variant type: single nucleotide variant.
Coding change: c.479G>A on transcript NM_014588.6 (MANE Select); coding-DNA position 479, G replaced by A.
Protein change: p.Gly160Asp; replaces glycine 160 with aspartic acid.
Molecular consequence: missense variant. On other transcripts: non-coding transcript variant (3).
Genome position (GRCh38, 1-based): chr20:25,079,460, C>T on the plus strand (G>A on the coding strand, the complement: VSX1 is on the minus strand). VCF-style: chr20-25079460-C-T. GRCh37 (hg19) VCF-style: chr20-25060096-C-T.
Other names: c.479G>A, p.Gly160Asp (NM_001256271.2, NM_001256272.2, NM_199425.3); short protein forms G160D.
Identifiers: ClinVar variation 5248 (VCV000005248.18), dbSNP rs74315433, ClinGen allele CA117355.

ClinVar aggregate classification (germline): Conflicting classifications of pathogenicity. Review status: criteria provided, conflicting classifications (1 of 4 stars). 5 submissions from 5 submitters: Uncertain significance (1); Benign (1); Likely benign (2). 1 of the submissions does not count toward it. Last evaluated 2025-12-16.

Conditions:
Posterior polymorphous corneal dystrophy. Also called: CORNEAL DYSTROPHY, HEREDITARY POLYMORPHOUS POSTERIOR; Polymorphous corneal dystrophy. Identifiers: Orphanet 98973, MedGen C0339284, MONDO:0020364, HP:0007915.
Posterior polymorphous corneal dystrophy 1 (PPCD1). Also called: Corneal endothelial dystrophy 1, autosomal dominant. Identifiers: Orphanet 98973, MedGen C1852555, MONDO:0007378, OMIM 122000.

Allele frequency attached by ClinVar (database versions not stated): 1000 Genomes Project 30x 0.00047; TOPMed 0.00170.
gnomAD v4.1: 3,373 of 1,612,800 alleles (0.21%); highest among the groups gnomAD compares: Non-Finnish European, 0.24%; 12 homozygotes.

Submissions (5):

Labcorp Genetics (formerly Invitae), Labcorp
Classification: Likely benign. Last evaluated: 2025-12-16. Review status: criteria provided, single submitter. Criteria: Invitae Variant Classification Sherloc (09022015). Collection method: clinical testing. Allele origin: germline.

Blueprint Genetics
Classification: Likely benign. Last evaluated: 2024-11-28. Review status: criteria provided, single submitter. Criteria: ACMG Guidelines, 2015. Collection method: clinical testing. Allele origin: germline.

Illumina Laboratory Services, Illumina
Classification: Benign for Polymorphous corneal dystrophy. Last evaluated: 2018-03-06. Review status: criteria provided, single submitter. Criteria: ICSL Variant Classification Criteria 13 December 2019. Collection method: clinical testing. Allele origin: germline.
Comment: This variant was observed in the ICSL laboratory as part of a predisposition screen in an ostensibly healthy population. It had not been previously curated by ICSL or reported in the Human Gene Mutation Database (HGMD: prior to June 1st, 2018), and was therefore a candidate for classification through an automated scoring system. Utilizing variant allele frequency, disease prevalence and penetrance estimates, and inheritance mode, an automated score was calculated to assess if this variant is too frequent to cause the disease. Based on the score and internal cut-off values, a variant classified as benign is not then subjected to further curation. The score for this variant resulted in a classification of benign for this disease.

Laboratory for Molecular Medicine, Mass General Brigham Personalized Medicine
Classification: Uncertain significance. Last evaluated: 2016-03-29. Review status: criteria provided, single submitter. Criteria: LMM Criteria. Collection method: clinical testing. Allele origin: germline.
Comment: Variant identified in a genome or exome case(s) and assessed due to predicted null impact of the variant or pathogenic assertions in the literature or databases. Disclaimer: This variant has not undergone full assessment. The following are preliminary notes: Please see the NVA form. Variant not conserved. VUS4 based on nonsegregation, frequency, and lack of conservation. Gene is associated with adult-onset keratocounus with reduced penetrance. Data suggests that earlier onset of corneal dystrophy is possible when 2 variants are present, but additional data is needed to understand whether this is true.

OMIM
Classification: Uncertain significance for RECLASSIFIED - VARIANT OF UNKNOWN SIGNIFICANCE. Last evaluated: 2011-01-01. Review status: no assertion criteria provided. Collection method: literature only. Allele origin: germline. Not counted in ClinVar's aggregate classification.

Literature cited by the submitters: PubMed 19763142 (cited by OMIM); Hamosh, A. Personal Communication. 2019. Baltimore, Md. (cited by OMIM); PubMed 11978762 (cited by OMIM); PubMed 7795607 (cited by OMIM); PubMed 16303937 (cited by OMIM); PubMed 15623752 (cited by OMIM); PubMed 21976959 (cited by OMIM).